The following is an entry in ClinVar:

ClinVar aggregate classification (germline): Pathogenic (1 of 4 stars; one submission).

Allele frequency attached by ClinVar (database versions not stated): gnomAD exomes 0.00001; TOPMed 0.00001.

Submission:

Labcorp Genetics (formerly Invitae), Labcorp
Classification: Pathogenic. Last evaluated: 2023-11-17. Review status: criteria provided, single submitter. Criteria: Invitae Variant Classification Sherloc (09022015). Collection method: clinical testing. Allele origin: germline.
Comment: This sequence change creates a premature translational stop signal (p.Leu1725Phefs*28) in the TG gene. It is expected to result in an absent or disrupted protein product. Loss-of-function variants in TG are known to be pathogenic (PMID: 19837936, 23164529). This variant is present in population databases (no rsID available, gnomAD 0.006%). This variant has not been reported in the literature in individuals affected with TG-related conditions. For these reasons, this variant has been classified as Pathogenic.

Literature cited by the submitters: PubMed 19837936; PubMed 23164529.

NM_003235.5(TG):c.5173del (p.Leu1725fs)

Gene: TG (thyroglobulin; plus strand). Cytogenetic location: 8q24.22.
Variant type: Deletion.
Coding change: c.5173del on transcript NM_003235.5 (MANE Select); coding-DNA position 5173, one base deleted (C; older notation c.5173delC).
Protein change: p.Leu1725fs; shifts the reading frame from leucine 1725.
Molecular consequence: frameshift variant.
Genome position (GRCh38, 1-based): chr8:132,941,482, C deleted. VCF-style (leftmost placement, unchanged base first): chr8-132941481-TC-T. GRCh37 (hg19) VCF-style: chr8-133953726-TC-T.
Other names: short protein forms L1725fs.
Identifiers: ClinVar variation 2735219 (VCV002735219.3), dbSNP rs1426751404, ClinGen allele CA585277672.
Genomic context (GRCh38, chr8:132,941,481, plus strand): 5'-GTACAACCCCATTGTGTTCTCAGCCTCAGGAGCCAATCTAACCGATGCTCACCTCTTCTG[TC>T]TTCTTGCATGCGACCGTGATCTGTGTTGCGATGGCTTCGTCCTCACACAGGTTCAAGGAG-3'